The following is an entry in ClinVar:

NM_001927.4(DES):c.1193del (p.Leu398fs)

Gene: DES (desmin; plus strand). Cytogenetic location: 2q35.
Variant type: Deletion.
Coding change: c.1193del on transcript NM_001927.4 (MANE Select); coding-DNA position 1193, one base deleted (T; older notation c.1193delT).
Protein change: p.Leu398fs; shifts the reading frame from leucine 398.
Molecular consequence: frameshift variant.
Genome position (GRCh38, 1-based): chr2:219,421,509, T deleted. VCF-style (leftmost placement, unchanged base first): chr2-219421508-CT-C. GRCh37 (hg19) VCF-style: chr2-220286230-CT-C.
Other names: c.1190del, p.Leu397fs (NM_001382708.1); c.761del, p.Leu254fs (NM_001382709.1); c.1124del, p.Leu375fs (NM_001382710.1); c.1172del, p.Leu391fs (NM_001382711.1); c.1193del, p.Leu398fs (NM_001382712.1); c.923del, p.Leu308fs (NM_001382713.1); short protein forms L397fs, L398fs, L254fs, L308fs, L375fs, L391fs.
Identifiers: ClinVar variation 1432455 (VCV001432455.3), dbSNP rs2125168879, ClinGen allele CA2573135389.

ClinVar aggregate classification (germline): Uncertain significance (1 of 4 stars; one submission).

Conditions:
Desmin-related myofibrillar myopathy (MFM1). Also called: Desminopathy; Desmin related myopathy (former name); Desmin storage myopathy (former name); MYOFIBRILLAR MYOPATHY WITH ARRHYTHMOGENIC RIGHT VENTRICULAR CARDIOMYOPATHY; DESMIN-RELATED MYOPATHY WITH ARRHYTHMOGENIC RIGHT VENTRICULAR CARDIOMYOPATHY; Myofibrillar myopathy 1. Identifiers: Orphanet 363543, Orphanet 98909, MedGen C1832370, MONDO:0011076, OMIM 601419.

Submission:

Labcorp Genetics (formerly Invitae), Labcorp
Classification: Uncertain significance for Desmin-related myofibrillar myopathy. Last evaluated: 2022-09-13. Review status: criteria provided, single submitter. Criteria: Invitae Variant Classification Sherloc (09022015). Collection method: clinical testing. Allele origin: germline.
Comment: This sequence change creates a premature translational stop signal (p.Leu398Argfs*49) in the DES gene. While this is not anticipated to result in nonsense mediated decay, it is expected to disrupt the last 73 amino acid(s) of the DES protein. This variant is not present in population databases (gnomAD no frequency). This variant has not been reported in the literature in individuals affected with DES-related conditions. ClinVar contains an entry for this variant (Variation ID: 1432455). Experimental studies and prediction algorithms are not available or were not evaluated, and the functional significance of this variant is currently unknown. In summary, the available evidence is currently insufficient to determine the role of this variant in disease. Therefore, it has been classified as a Variant of Uncertain Significance.